The following is an entry in ClinVar:

ClinVar aggregate classification (germline): Uncertain significance (1 of 4 stars; one submission).

Submission:

GeneDx
Classification: Uncertain significance. Last evaluated: 2022-06-10. Review status: criteria provided, single submitter. Criteria: GeneDx Variant Classification Process June 2021. Collection method: clinical testing. Allele origin: germline. Affected: yes.
Comment: Not observed at significant frequency in large population cohorts (gnomAD); In silico analysis supports that this missense variant has a deleterious effect on protein structure/function; Has not been previously published as pathogenic or benign to our knowledge

NM_145691.4(ATPAF2):c.277G>C (p.Glu93Gln)

Gene: ATPAF2 (ATP synthase mitochondrial F1 complex assembly factor 2; minus strand). Cytogenetic location: 17p11.2.
Variant type: single nucleotide variant.
Coding change: c.277G>C on transcript NM_145691.4 (MANE Select); coding-DNA position 277, G replaced by C.
Protein change: p.Glu93Gln; replaces glutamic acid 93 with glutamine.
Molecular consequence: missense variant.
Genome position (GRCh38, 1-based): chr17:18,028,279, C>G on the plus strand (G>C on the coding strand, the complement: ATPAF2 is on the minus strand). VCF-style: chr17-18028279-C-G. GRCh37 (hg19) VCF-style: chr17-17931593-C-G.
Other names: short protein forms E93Q.
Identifiers: ClinVar variation 1803479 (VCV001803479.1), dbSNP rs2545082598, ClinGen allele CA398578354.